The following is an entry in ClinVar:

NM_001734.5(C1S):c.105G>T (p.Glu35Asp)

Gene: C1S (complement C1s; plus strand). Cytogenetic location: 12p13.31.
Variant type: single nucleotide variant.
Coding change: c.105G>T on transcript NM_001734.5 (MANE Select); coding-DNA position 105, G replaced by T.
Protein change: p.Glu35Asp; replaces glutamic acid 35 with aspartic acid.
Molecular consequence: missense variant. On other transcripts: intron variant (1).
Genome position (GRCh38, 1-based): chr12:7,062,574, G>T. VCF-style: chr12-7062574-G-T. GRCh37 (hg19) VCF-style: chr12-7169878-G-T.
Other names: c.105G>T, p.Glu35Asp (NM_201442.4); c.-288-316G>T (NM_001346850.2); short protein forms E35D.
Identifiers: ClinVar variation 3661787 (VCV003661787.2).

ClinVar aggregate classification (germline): Uncertain significance (1 of 4 stars; one submission).

Submission:

Labcorp Genetics (formerly Invitae), Labcorp
Classification: Uncertain significance. Last evaluated: 2024-08-08. Review status: criteria provided, single submitter. Criteria: Invitae Variant Classification Sherloc (09022015). Collection method: clinical testing. Allele origin: germline.
Comment: This sequence change replaces glutamic acid, which is acidic and polar, with aspartic acid, which is acidic and polar, at codon 35 of the C1S protein (p.Glu35Asp). This variant is not present in population databases (gnomAD no frequency). This variant has not been reported in the literature in individuals affected with C1S-related conditions. An algorithm developed to predict the effect of missense changes on protein structure and function outputs the following: PolyPhen-2: "Benign". The aspartic acid amino acid residue is found in multiple mammalian species, which suggests that this missense change does not adversely affect protein function. In summary, the available evidence is currently insufficient to determine the role of this variant in disease. Therefore, it has been classified as a Variant of Uncertain Significance.